The following is an entry in ClinVar:

NM_007294.4(BRCA1):c.3103_3104del (p.Val1035fs)

Gene: BRCA1 (BRCA1 DNA repair associated; minus strand). Cytogenetic location: 17q21.31.
Variant type: Deletion.
Coding change: c.3103_3104del on transcript NM_007294.4 (MANE Select); coding-DNA positions 3103 to 3104, 2 bases deleted (GT; older notation c.3103_3104delGT).
Protein change: p.Val1035fs; shifts the reading frame from valine 1035.
Molecular consequence: frameshift variant. On other transcripts: intron variant (137).
Genome position (GRCh38, 1-based): chr17:43,092,427-43,092,428, AC deleted on the plus strand (GT on the coding strand, the reverse complement: BRCA1 is on the minus strand); deleting any 2 consecutive bases within chr17:43,092,427-43,092,429 gives the same sequence; the c. name uses the placement nearest the transcript's 3' end. VCF-style (leftmost placement, unchanged base first): chr17-43092426-AAC-A. GRCh37 (hg19) VCF-style: chr17-41244443-AAC-A.
Other names: p.Val1035Phefs*2; c.3022_3023del, p.Val1008fs (NM_001407662.1, NM_001407659.1, NM_001407660.1 and 1 more transcripts); c.3025_3026del, p.Val1009fs (NM_001407663.1, NM_001407653.1, NM_001407654.1 and 4 more transcripts); c.647-1396_647-1395del (NM_001408458.1, NM_001408453.1, NM_001408469.1 and 11 more transcripts); c.407-1396_407-1395del (NM_001408510.1); c.644-1396_644-1395del (NM_001408470.1, NM_001408464.1, NM_001408468.1 and 3 more transcripts); c.2977_2978del, p.Val993fs (NM_001407670.1, NM_001407649.1, NM_001407671.1 and 11 more transcripts); c.2980_2981del, p.Val994fs (NM_001407664.1, NM_001407665.1, NM_001407666.1 and 19 more transcripts); and 44 more; short protein forms V988fs, V1035fs, V867fs, V1009fs, V1032fs, V908fs, V924fs, V964fs.
Identifiers: ClinVar variation 462601 (VCV000462601.13), dbSNP rs1555588392, ClinGen allele CA658656627.

ClinVar aggregate classification (germline): Pathogenic. Review status: criteria provided, multiple submitters, no conflicts (2 of 4 stars). 4 submissions from 4 submitters: Pathogenic (4). Last evaluated 2025-07-15.

Conditions:
Hereditary cancer-predisposing syndrome. Also called: Neoplastic Syndromes, Hereditary; Hereditary Cancer Syndrome; Hereditary neoplastic syndrome; Tumor predisposition. Identifiers: Orphanet 140162, MedGen C0027672, MeSH D009386, MONDO:0015356.
Hereditary breast ovarian cancer syndrome. Also called: Hereditary breast and ovarian cancer syndrome (HBOC); Hereditary breast and ovarian cancer syndrome; Breast and ovarian cancer; Hereditary breast and/or ovarian cancer syndrome; Hereditary breast and ovarian cancer; BRCA1- and BRCA2-Associated Hereditary Breast and Ovarian Cancer. Identifiers: Orphanet 145, MedGen C0677776, MeSH D061325, MONDO:0003582. Disease mechanism: loss of function.

Submissions (4):

Labcorp Genetics (formerly Invitae), Labcorp
Classification: Pathogenic for Hereditary breast ovarian cancer syndrome. Last evaluated: 2025-07-15. Review status: criteria provided, single submitter. Criteria: Invitae Variant Classification Sherloc (09022015). Collection method: clinical testing. Allele origin: germline.
Comment: This sequence change creates a premature translational stop signal (p.Val1035Phefs*2) in the BRCA1 gene. It is expected to result in an absent or disrupted protein product. Loss-of-function variants in BRCA1 are known to be pathogenic (PMID: 20104584). This variant is not present in population databases (gnomAD no frequency). This variant has not been reported in the literature in individuals affected with BRCA1-related conditions. ClinVar contains an entry for this variant (Variation ID: 462601). For these reasons, this variant has been classified as Pathogenic.

Mayo Clinic Laboratories, Mayo Clinic
Classification: Pathogenic. Last evaluated: 2024-05-28. Review status: criteria provided, single submitter. Criteria: ACMG Guidelines, 2015. Collection method: clinical testing. Allele origin: germline. Observed: 1 variant allele.
Comment: PM5_strong, PVS1

Ambry Genetics
Classification: Pathogenic for Hereditary cancer-predisposing syndrome. Last evaluated: 2024-04-04. Review status: criteria provided, single submitter. Criteria: Ambry Variant Classification Scheme 2023. Collection method: clinical testing. Allele origin: germline.
Comment: The c.3103_3104delGT pathogenic mutation, located in coding exon 9 of the BRCA1 gene, results from a deletion of two nucleotides at nucleotide positions 3103 to 3104, causing a translational frameshift with a predicted alternate stop codon (p.V1035Ffs*2). This alteration is expected to result in loss of function by premature protein truncation or nonsense-mediated mRNA decay. As such, this alteration is interpreted as a disease-causing mutation.

Color Diagnostics, LLC DBA Color Health
Classification: Pathogenic for Hereditary cancer-predisposing syndrome. Last evaluated: 2019-12-09. Review status: criteria provided, single submitter. Criteria: ACMG Guidelines, 2015. Collection method: clinical testing. Allele origin: germline.
Comment: This variant deletes 2 nucleotides in exon 10 of the BRCA1 gene, creating a frameshift and premature translation stop signal. This variant is expected to result in an absent or non-functional protein product. Splice site prediction tools suggest that this variant may not impact RNA splicing. To our knowledge, functional studies have not been performed for this variant. This variant has not been reported in individuals affected with hereditary cancer in the literature. This variant has not been identified in the general population by the Genome Aggregation Database (gnomAD). Loss of BRCA1 function is a known mechanism of disease. Based on the available evidence, this variant is classified as Pathogenic.

Literature cited by the submitters: PubMed 20104584 (cited by Labcorp Genetics (formerly Invitae), Labcorp).